The following is an entry in ClinVar:

ClinVar aggregate classification (germline): Pathogenic (1 of 4 stars; one submission).

Conditions:
Familial thoracic aortic aneurysm and aortic dissection (TAAD). Also called: Thoracic aortic aneurysms and dissections. Identifiers: Orphanet 91387, MedGen C4707243, MONDO:0019625.
Marfan syndrome (MFS). Also called: FBN1-Related Marfan Syndrome; Marfan's syndrome; MARFAN SYNDROME, TYPE I; Marfan syndrome type 1; Marfan syndrome, classic. Identifiers: Orphanet 284963, Orphanet 558, MedGen C0024796, MONDO:0007947, OMIM 154700.

Submission:

Labcorp Genetics (formerly Invitae), Labcorp
Classification: Pathogenic for Marfan syndrome; Familial thoracic aortic aneurysm and aortic dissection. Last evaluated: 2019-12-22. Review status: criteria provided, single submitter. Criteria: Invitae Variant Classification Sherloc (09022015). Collection method: clinical testing. Allele origin: germline.
Comment: This variant affects a cysteine residue in the EGF-like, TGFBP or hybrid motif domains of FBN1. Cysteine residues are believed to be involved in intramolecular disulfide bridges and have been shown to be important for FBN1 protein structure (PMID: 16905551, 19349279). In addition, missense substitutions affecting cysteine residues within these domains are significantly overrepresented among patients with Marfan syndrome (PMID: 16571647, 17701892). For these reasons, this variant has been classified as Pathogenic. Algorithms developed to predict the effect of missense changes on protein structure and function are either unavailable or do not agree on the potential impact of this missense change (SIFT: "Deleterious"; PolyPhen-2: "Probably Damaging"; Align-GVGD: "Class C0"). This variant has been observed in individual(s) with Marfan syndrome and thoracic aortic aneurysm and dissection (PMID: 28321935, Invitae). This variant is not present in population databases (ExAC no frequency). This sequence change replaces cysteine with arginine at codon 2672 of the FBN1 protein (p.Cys2672Arg). The cysteine residue is highly conserved and there is a large physicochemical difference between cysteine and arginine.

Literature cited by the submitters: PubMed 16905551; PubMed 19349279; PubMed 16571647; PubMed 17701892; PubMed 28321935.

NM_000138.5(FBN1):c.8014T>C (p.Cys2672Arg)

Gene: FBN1 (fibrillin 1; minus strand). Cytogenetic location: 15q21.1.
Variant type: single nucleotide variant.
Coding change: c.8014T>C on transcript NM_000138.5 (MANE Select); coding-DNA position 8014, T replaced by C.
Protein change: p.Cys2672Arg; replaces cysteine 2672 with arginine.
Molecular consequence: missense variant.
Genome position (GRCh38, 1-based): chr15:48,415,573, A>G on the plus strand (T>C on the coding strand, the complement: FBN1 is on the minus strand). VCF-style: chr15-48415573-A-G. GRCh37 (hg19) VCF-style: chr15-48707770-A-G.
Other names: short protein forms C2672R.
Identifiers: ClinVar variation 857658 (VCV000857658.9), dbSNP rs1555393833, ClinGen allele CA392322652.